The following is an entry in ClinVar:

NM_001384125.1(BLTP1):c.660G>T (p.Pro220=)

Gene: BLTP1 (bridge-like lipid transfer protein family member 1; plus strand). Cytogenetic location: 4q27.
Variant type: single nucleotide variant.
Coding change: c.660G>T on transcript NM_001384125.1 (MANE Select); coding-DNA position 660, G replaced by T.
Protein change: p.Pro220=; no amino-acid change (proline 220 retained).
Molecular consequence: synonymous variant.
Genome position (GRCh38, 1-based): chr4:122,187,927, G>T. VCF-style: chr4-122187927-G-T. GRCh37 (hg19) VCF-style: chr4-123109082-G-T.
Other names: c.660G>T, p.Pro220= (NM_015312.4).
Identifiers: ClinVar variation 3046186 (VCV003046186.2), dbSNP rs138600216, ClinGen allele CA3065426.

ClinVar aggregate classification (germline): Likely benign (0 of 4 stars; one submission).

Conditions:
BLTP1-related disorder. Also called: BLTP1-related condition.

gnomAD v4.1: 18 of 1,582,040 alleles (0.0011%); highest among the groups gnomAD compares: Non-Finnish European, 0.0014%; no homozygotes.

Submission:

PreventionGenetics, part of Exact Sciences
Classification: Likely benign for BLTP1-related condition. Last evaluated: 2022-03-01. Review status: no assertion criteria provided. Collection method: clinical testing. Allele origin: germline.
Comment: This variant is classified as likely benign based on ACMG/AMP sequence variant interpretation guidelines (Richards et al. 2015 PMID: 25741868, with internal and published modifications).